The following is an entry in ClinVar:

NM_006648.4(WNK2):c.2089C>G (p.Gln697Glu)

Gene: WNK2 (WNK lysine deficient protein kinase 2; plus strand). Cytogenetic location: 9q22.31.
Variant type: single nucleotide variant.
Coding change: c.2089C>G on transcript NM_006648.4 (MANE Select); coding-DNA position 2089, C replaced by G.
Protein change: p.Gln697Glu; replaces glutamine 697 with glutamic acid.
Molecular consequence: missense variant.
Genome position (GRCh38, 1-based): chr9:93,256,353, C>G. VCF-style: chr9-93256353-C-G. GRCh37 (hg19) VCF-style: chr9-96018635-C-G.
Other names: c.2089C>G, p.Gln697Glu (NM_001282394.3); short protein forms Q697E.
Identifiers: ClinVar variation 4605243 (VCV004605243.1).
Genomic context (GRCh38, chr9:93,256,353, plus strand): 5'-CTGCAGCCTGGCTTGCCGGTGGGCTCTGTCCCGGCCCCCGCCTGCCCTCCGTCCCTCCAG[C>G]AGCACTTCCCGGATCCGGCCATGAGCTTCGCCCCCGTGCTGCCGCCGCCCAGCACCCCCA-3'
Protein context (NP_006639.3, residues 687-707): PAPACPPSLQ[Gln697Glu]HFPDPAMSFA

ClinVar aggregate classification (germline): Uncertain significance (1 of 4 stars; one submission).

Submission:

Ambry Genetics
Classification: Uncertain significance. Last evaluated: 2025-10-11. Review status: criteria provided, single submitter. Criteria: Ambry Variant Classification Scheme 2023. Collection method: clinical testing. Allele origin: germline.
Comment: The p.Q697E variant (also known as c.2089C>G), located in coding exon 9 of the WNK2 gene, results from a C to G substitution at nucleotide position 2089. The glutamine at codon 697 is replaced by glutamic acid, an amino acid with highly similar properties. This amino acid position is conserved. In addition, this alteration is predicted to be tolerated by in silico analysis. Based on the available evidence, the clinical significance of this variant remains unclear.